The following is an entry in ClinVar:

NM_001165963.4(SCN1A):c.5656C>A (p.Arg1886=)

Genes: SCN1A (sodium voltage-gated channel alpha subunit 1; minus strand), LOC102724058 (uncharacterized LOC102724058; plus strand). Cytogenetic location: 2q24.3.
Variant type: single nucleotide variant.
Coding change: c.5656C>A on transcript NM_001165963.4 (MANE Select); coding-DNA position 5656, C replaced by A.
Protein change: p.Arg1886=; no amino-acid change (arginine 1886 retained).
Molecular consequence: synonymous variant. On other transcripts: non-coding transcript variant (1).
Genome position (GRCh38, 1-based): chr2:165,991,619, G>T on the plus strand (C>A on the coding strand, the complement: SCN1A is on the minus strand). VCF-style: chr2-165991619-G-T. GRCh37 (hg19) VCF-style: chr2-166848129-G-T.
Other names: c.5572C>A, p.Arg1858= (NM_001165964.3, NM_001353957.2, NM_001353958.2); c.5656C>A, p.Arg1886= (NM_001202435.3, NM_001353948.2); c.5623C>A, p.Arg1875= (NM_001353949.2, NM_001353950.2, NM_001353951.2 and 2 more transcripts); c.5620C>A, p.Arg1874= (NM_001353954.2, NM_001353955.2); c.5569C>A, p.Arg1857= (NM_001353960.2); c.3214C>A, p.Arg1072= (NM_001353961.2).
Identifiers: ClinVar variation 682297 (VCV000682297.15), dbSNP rs779614747, ClinGen allele CA1942654.

ClinVar aggregate classification (germline): Conflicting classifications of pathogenicity. Review status: criteria provided, conflicting classifications (1 of 4 stars). 4 submissions from 3 submitters: Uncertain significance (2); Likely benign (2). Last evaluated 2019-12-13.

Conditions:
Early-infantile DEE. Also called: Early infantile epileptic encephalopathy; Early infantile epileptic encephalopathy with suppression bursts; Ohtahara syndrome. Identifiers: Orphanet 1934, MedGen C0393706, MONDO:0800491.
Migraine, familial hemiplegic, 3. Identifiers: Orphanet 569, MedGen C1864987, MONDO:0012320, OMIM 609634.
Generalized epilepsy with febrile seizures plus, type 2 (GEFSP2). Also called: GEFS+, TYPE 2. Identifiers: Orphanet 36387, MedGen C1858673, MONDO:0011461, OMIM 604403.

Allele frequency attached by ClinVar (database versions not stated): gnomAD exomes below 0.00001 and 0.00001; ExAC 0.00002.
gnomAD v4.1: 3 of 1,613,758 alleles (0.00019%); highest among the groups gnomAD compares: Non-Finnish European, 0.00025%; no homozygotes.

Submissions (4):

Labcorp Genetics (formerly Invitae), Labcorp
Classification: Likely benign for Early-infantile DEE. Last evaluated: 2019-12-13. Review status: criteria provided, single submitter. Criteria: Invitae Variant Classification Sherloc (09022015). Collection method: clinical testing. Allele origin: germline.

GeneDx
Classification: Likely benign. Last evaluated: 2018-04-24. Review status: criteria provided, single submitter. Criteria: GeneDx Variant Classification (06012015). Collection method: clinical testing. Allele origin: germline. Affected: yes.
Comment: This variant is considered likely benign or benign based on one or more of the following criteria: it is a conservative change, it occurs at a poorly conserved position in the protein, it is predicted to be benign by multiple in silico algorithms, and/or has population frequency not consistent with disease.

Illumina Laboratory Services, Illumina
Classification: Uncertain significance for Generalized epilepsy with febrile seizures plus, type 2. Last evaluated: 2017-04-28. Review status: criteria provided, single submitter. Criteria: ICSL Variant Classification Criteria 13 December 2019. Collection method: clinical testing. Allele origin: germline.

Illumina Laboratory Services, Illumina
Classification: Uncertain significance for Migraine, familial hemiplegic, 3. Last evaluated: 2017-04-28. Review status: criteria provided, single submitter. Criteria: ICSL Variant Classification Criteria 13 December 2019. Collection method: clinical testing. Allele origin: germline.